The following is an entry in ClinVar:

NM_000742.4(CHRNA2):c.574T>C (p.Phe192Leu)

Gene: CHRNA2 (cholinergic receptor nicotinic alpha 2 subunit; minus strand). Cytogenetic location: 8p21.2.
Variant type: single nucleotide variant.
Coding change: c.574T>C on transcript NM_000742.4 (MANE Select); coding-DNA position 574, T replaced by C.
Protein change: p.Phe192Leu; replaces phenylalanine 192 with leucine.
Molecular consequence: missense variant. On other transcripts: intron variant (2).
Genome position (GRCh38, 1-based): chr8:27,463,869, A>G on the plus strand (T>C on the coding strand, the complement: CHRNA2 is on the minus strand). VCF-style: chr8-27463869-A-G. GRCh37 (hg19) VCF-style: chr8-27321386-A-G.
Other names: c.529T>C, p.Phe177Leu (NM_001282455.2); c.97T>C, p.Phe33Leu (NM_001347705.2, NM_001347706.2); c.-12-9T>C (NM_001347708.2); c.-9-12T>C (NM_001347707.2); short protein forms F33L, F192L, F177L.
Identifiers: ClinVar variation 4055936 (VCV004055936.1).

ClinVar aggregate classification (germline): Uncertain significance (1 of 4 stars; one submission).

Submission:

GeneDx
Classification: Uncertain significance. Last evaluated: 2025-01-03. Review status: criteria provided, single submitter. Criteria: GeneDx Variant Classification Process June 2021. Collection method: clinical testing. Allele origin: germline. Affected: yes.
Comment: Not observed at significant frequency in large population cohorts (gnomAD); In silico analysis supports that this missense variant has a deleterious effect on protein structure/function; Has not been previously published as pathogenic or benign to our knowledge